The following is an entry in ClinVar:

NM_001080477.4(TENM3):c.5069-341G>C

Gene: TENM3 (teneurin transmembrane protein 3; plus strand). Cytogenetic location: 4q35.1.
Variant type: single nucleotide variant.
Coding change: c.5069-341G>C on transcript NM_001080477.4 (MANE Select); 341 bases into the intron before coding-DNA position 5069, G replaced by C.
Molecular consequence: intron variant.
Genome position (GRCh38, 1-based): chr4:182,774,577, G>C. VCF-style: chr4-182774577-G-C. GRCh37 (hg19) VCF-style: chr4-183695730-G-C.
Identifiers: ClinVar variation 674015 (VCV000674015.1), dbSNP rs56138377, ClinGen allele CA11671006.

ClinVar aggregate classification (germline): Benign (1 of 4 stars; one submission).

Allele frequency attached by ClinVar (database versions not stated): TOPMed 0.24078; 1000 Genomes Project 0.28634; 1000 Genomes Project 30x 0.29279.
gnomAD v4.1: 32,417 of 152,130 alleles (21%); highest among the groups gnomAD compares: African/African-American, 50%; 6,127 homozygotes.

Submission:

GeneDx
Classification: Benign. Last evaluated: 2018-06-19. Review status: criteria provided, single submitter. Criteria: GeneDx Variant Classification (06012015). Collection method: clinical testing. Allele origin: germline. Affected: yes.
Comment: This variant is considered likely benign or benign based on one or more of the following criteria: it is a conservative change, it occurs at a poorly conserved position in the protein, it is predicted to be benign by multiple in silico algorithms, and/or has population frequency not consistent with disease.